The following is an entry in ClinVar:

ClinVar aggregate classification (germline): Likely benign. Review status: criteria provided, multiple submitters, no conflicts (2 of 4 stars). 3 submissions from 3 submitters: Likely benign (3). Last evaluated 2026-07-16.

Conditions:
NBAS-related disorder. Also called: NBAS-related condition.

Allele frequency attached by ClinVar (database versions not stated): 1000 Genomes Project 30x 0.00016; 1000 Genomes Project 0.00020; TOPMed 0.00023; ExAC 0.00026; gnomAD exomes 0.00036; gnomAD 0.00037 and 0.00039; ESP Exome Variant Server 0.00038.
gnomAD v4.1: 820 of 1,613,688 alleles (0.051%); highest among the groups gnomAD compares: Non-Finnish European, 0.058%; 1 homozygote.

Submissions (4):

PreventionGenetics, part of Exact Sciences
Classification: Likely benign for NBAS-related condition. Last evaluated: 2026-07-16. Review status: criteria provided, single submitter. Criteria: ACMG Guidelines, 2015. Collection method: clinical testing. Allele origin: germline.
Comment: This variant is classified as likely benign based on ACMG/AMP sequence variant interpretation guidelines (Richards et al. 2015 PMID: 25741868, with internal and published modifications).

Labcorp Genetics (formerly Invitae), Labcorp
Classification: Likely benign. Last evaluated: 2026-01-28. Review status: criteria provided, single submitter. Criteria: Invitae Variant Classification Sherloc (09022015). Collection method: clinical testing. Allele origin: germline.

Blueprint Genetics
Classification: Likely benign. Last evaluated: 2024-09-09. Review status: criteria provided, single submitter. Criteria: ACMG Guidelines, 2015. Collection method: clinical testing. Allele origin: germline.

Dr. Peter K. Rogan Lab, Western University
No classification provided (evidence only). Condition: Clear cell carcinoma of kidney. Review status: no classification provided. Collection method: in vitro. Allele origin: not applicable. Functional consequence: retained intron. Not counted in ClinVar's aggregate classification.

NM_015909.4(NBAS):c.3603A>G (p.Gln1201=)

Gene: NBAS (NBAS subunit of NRZ tethering complex; minus strand). Cytogenetic location: 2p24.3.
Variant type: single nucleotide variant.
Coding change: c.3603A>G on transcript NM_015909.4 (MANE Select); coding-DNA position 3603, A replaced by G.
Protein change: p.Gln1201=; no amino-acid change (glutamine 1201 retained).
Molecular consequence: synonymous variant. On other transcripts: non-coding transcript variant (1).
Genome position (GRCh38, 1-based): chr2:15,374,708, T>C on the plus strand (A>G on the coding strand, the complement: NBAS is on the minus strand). VCF-style: chr2-15374708-T-C. GRCh37 (hg19) VCF-style: chr2-15514832-T-C.
Identifiers: ClinVar variation 729356 (VCV000729356.13), dbSNP rs144760143, ClinGen allele CA1535978.